The following is an entry in ClinVar:

NM_001267550.2(TTN):c.18172C>T (p.Arg6058Cys)

Genes: TTN (titin; minus strand), LOC126806430 (BRD4-independent group 4 enhancer GRCh37_chr2:179593794-179594993; plus strand). Cytogenetic location: 2q31.2.
Variant type: single nucleotide variant.
Coding change: c.18172C>T on transcript NM_001267550.2 (MANE Select); coding-DNA position 18172, C replaced by T.
Protein change: p.Arg6058Cys; replaces arginine 6058 with cysteine.
Molecular consequence: missense variant. On other transcripts: intron variant (3).
Genome position (GRCh38, 1-based): chr2:178,730,228, G>A on the plus strand (C>T on the coding strand, the complement: TTN is on the minus strand). VCF-style: chr2-178730228-G-A. GRCh37 (hg19) VCF-style: chr2-179594955-G-A.
Other names: p.R5741C:CGC>TGC; c.13282+7854C>T (NM_003319.4); c.13858+7854C>T (NM_133437.4); c.13657+7854C>T (NM_133432.3); c.17221C>T, p.Arg5741Cys (NM_001256850.1); c.14440C>T, p.Arg4814Cys (NM_133378.4); short protein forms R5741C, R6058C, R4814C.
Identifiers: ClinVar variation 203268 (VCV000203268.35), dbSNP rs189127014, ClinGen allele CA311868.

ClinVar aggregate classification (germline): Conflicting classifications of pathogenicity. Review status: criteria provided, conflicting classifications (1 of 4 stars). 15 submissions from 15 submitters: Uncertain significance (6); Benign (1); Likely benign (5). 3 of the submissions do not count toward it. Last evaluated 2026-02-10.

Conditions:
TTN-related disorder. Also called: TTN-related condition; TTN-related disease; TTN-related disorders.
Autosomal recessive limb-girdle muscular dystrophy type 2J (LGMDR10). Also called: Limb-girdle muscular dystrophy, type 2J; MUSCULAR DYSTROPHY, LIMB-GIRDLE, AUTOSOMAL RECESSIVE 10. Identifiers: Orphanet 140922, MedGen C1837342, MONDO:0012127, OMIM 608807.
Dilated cardiomyopathy 1G (CMD1G). Identifiers: Orphanet 154, MedGen C1858763, MONDO:0011400, OMIM 604145.
Hypertrophic cardiomyopathy 9. Also called: Familial hypertrophic cardiomyopathy 9. Identifiers: MedGen C1861065, MONDO:0013412, OMIM 613765.
Cardiomyopathy (CMYO). Also called: Cardiomyopathies. Identifiers: Orphanet 167848, MedGen C0878544, MONDO:0004994, HP:0001638. Inheritance: Various modes of inheritance.

Allele frequency attached by ClinVar (database versions not stated): gnomAD exomes 0.00005 and 0.00013; ESP Exome Variant Server 0.00041; gnomAD 0.00048 and 0.00053; TOPMed 0.00060.
gnomAD v4.1: 160 of 1,613,320 alleles (0.0099%); highest among the groups gnomAD compares: African/African-American, 0.16%; no homozygotes.

Submissions (15):

PreventionGenetics, part of Exact Sciences
Classification: Uncertain significance for TTN-related condition. Last evaluated: 2026-02-10. Review status: criteria provided, single submitter. Criteria: ACMG Guidelines, 2015. Collection method: clinical testing. Allele origin: germline.
Comment: The TTN c.18172C>T variant is predicted to result in the amino acid substitution p.Arg6058Cys. To our knowledge, this variant has not been reported in the literature. This variant is reported in 0.15% of alleles in individuals of African descent in gnomAD. Although we suspect that this variant may be benign, at this time, the clinical significance of this variant is uncertain due to the absence of conclusive functional and genetic evidence.

CeGaT Center for Human Genetics Tuebingen
Classification: Likely benign. Last evaluated: 2025-12-01. Review status: criteria provided, single submitter. Criteria: CeGaT Center For Human Genetics Tuebingen Variant Classification Criteria Version 2. Collection method: clinical testing. Allele origin: germline. Affected: yes. Observed: 2 variant alleles.
Comment: TTN: BP4

Revvity Omics, Revvity
Classification: Uncertain significance. Last evaluated: 2025-06-12. Review status: criteria provided, single submitter. Criteria: ACMG Guidelines, 2015. Collection method: clinical testing. Allele origin: germline.

Molecular Diagnostic Laboratory for Inherited Cardiovascular Disease, Montreal Heart Institute
Classification: Likely benign. Last evaluated: 2025-04-09. Review status: criteria provided, single submitter. Criteria: ACMG Guidelines, 2015. Collection method: clinical testing. Allele origin: germline. Affected: no.
Comment: BS1;BP1

Blueprint Genetics
Classification: Likely benign. Last evaluated: 2024-02-22. Review status: criteria provided, single submitter. Criteria: ACMG Guidelines, 2015. Collection method: clinical testing. Allele origin: germline.

CHEO Genetics Diagnostic Laboratory, Children's Hospital of Eastern Ontario
Classification: Benign for Cardiomyopathy. Last evaluated: 2022-11-09. Review status: criteria provided, single submitter. Criteria: ACMG Guidelines, 2015. Collection method: clinical testing. Allele origin: germline.

New York Genome Center
Classification: Uncertain significance for Hypertrophic cardiomyopathy 9; Dilated cardiomyopathy 1G. Last evaluated: 2021-08-20. Review status: criteria provided, single submitter. Criteria: NYGC Assertion Criteria 2020. Collection method: clinical testing. Allele origin: inherited. Observed: 1 heterozygote. Study: CSER-NYCKidSeq.

GeneDx
Classification: Likely benign. Last evaluated: 2021-03-25. Review status: criteria provided, single submitter. Criteria: GeneDx Variant Classification Process June 2021. Collection method: clinical testing. Allele origin: germline. Affected: yes.

Women's Health and Genetics/Laboratory Corporation of America, LabCorp
Classification: Likely benign. Last evaluated: 2021-03-15. Review status: criteria provided, single submitter. Criteria: LabCorp Variant Classification Summary - May 2015. Collection method: clinical testing. Allele origin: germline.
Comment: Variant summary: TTN c.14440C>T (p.Arg4814Cys) results in a non-conservative amino acid change located in the I-band domain of the encoded protein sequence. Three of five in-silico tools predict a benign effect of the variant on protein function. The variant allele was found at a frequency of 0.00017 in 279664 control chromosomes, predominantly at a frequency of 0.0015 within the African or African-American subpopulation in the gnomAD database. The observed variant frequency within African or African-American control individuals in the gnomAD database is approximately 4 fold of the estimated maximal expected allele frequency for a pathogenic variant in TTN causing Dilated Cardiomyopathy phenotype (0.00039), strongly suggesting that the variant is a benign polymorphism found primarily in populations of African or African-American origin. To our knowledge, no occurrence of c.14440C>T in individuals affected with Dilated Cardiomyopathy and no experimental evidence demonstrating its impact on protein function have been reported. Four ClinVar submitters (evaluation after 2014) cite the variant as uncertain significance (n=3) and likely benign (n=1). Based on the evidence outlined above, the variant was classified as likely benign.

Eurofins Ntd Llc (ga)
Classification: Uncertain significance. Last evaluated: 2018-08-24. Review status: criteria provided, single submitter. Criteria: EGL ClinVar v180209 classification definitions. Collection method: clinical testing. Allele origin: germline. Observed: 5 variant alleles, 5 heterozygotes.

Labcorp Genetics (formerly Invitae), Labcorp
Classification: Uncertain significance for Dilated cardiomyopathy 1G; Autosomal recessive limb-girdle muscular dystrophy type 2J. Last evaluated: 2017-12-28. Review status: criteria provided, single submitter. Criteria: Invitae Variant Classification Sherloc (09022015). Collection method: clinical testing. Allele origin: germline.

Laboratory for Molecular Medicine, Mass General Brigham Personalized Medicine
Classification: Uncertain significance. Last evaluated: 2016-05-27. Review status: criteria provided, single submitter. Criteria: LMM Criteria. Collection method: clinical testing. Allele origin: germline. Observed: 1 variant allele.
Comment: Variant classified as Uncertain Significance - Favor Benign. The p.Arg4814Cys va riant in TTN has not been previously reported in individuals with cardiomyopathy , but has been identified in 0.1% (10/9720) of African chromosomes by the Exome Aggregation Consortium (ExAC; dbSNP rs189127014) . Arginine (Arg) at position 4814 is not conserved in evolutionarily distant spe cies and 10 species of fish carry the variant cysteine (Cys), supporting that th is change may be tolerated. In summary, while the clinical significance of the p .Arg4814Cys variant is uncertain, these data suggest that it is more likely to b e benign.

Clinical Genetics DNA and cytogenetics Diagnostics Lab, Erasmus MC, Erasmus Medical Center
Classification: Uncertain significance. Review status: no assertion criteria provided. Collection method: clinical testing. Allele origin: germline. Affected: yes. Study: VKGL Data-share Consensus. Not counted in ClinVar's aggregate classification.

Clinical Genetics, Academic Medical Center
Classification: Uncertain significance. Review status: no assertion criteria provided. Collection method: clinical testing. Allele origin: germline. Affected: yes. Study: VKGL Data-share Consensus. Not counted in ClinVar's aggregate classification.

Diagnostic Laboratory, Department of Genetics, University Medical Center Groningen
Classification: Uncertain significance. Review status: no assertion criteria provided. Collection method: clinical testing. Allele origin: germline. Affected: yes. Study: VKGL Data-share Consensus. Not counted in ClinVar's aggregate classification.